The following is an entry in ClinVar:

NM_005477.3(HCN4):c.2536C>G (p.Pro846Ala)

Gene: HCN4 (hyperpolarization activated cyclic nucleotide gated potassium channel 4; minus strand). Cytogenetic location: 15q24.1.
Variant type: single nucleotide variant.
Coding change: c.2536C>G on transcript NM_005477.3 (MANE Select); coding-DNA position 2536, C replaced by G.
Protein change: p.Pro846Ala; replaces proline 846 with alanine.
Molecular consequence: missense variant.
Genome position (GRCh38, 1-based): chr15:73,323,557, G>C on the plus strand (C>G on the coding strand, the complement: HCN4 is on the minus strand). VCF-style: chr15-73323557-G-C. GRCh37 (hg19) VCF-style: chr15-73615898-G-C.
Other names: short protein forms P846A.
Identifiers: ClinVar variation 2007859 (VCV002007859.4), dbSNP rs2549068897, ClinGen allele CA393088705.

ClinVar aggregate classification (germline): Uncertain significance (1 of 4 stars; one submission).

Conditions:
Brugada syndrome 8 (BRGDA8). Identifiers: Orphanet 130, MedGen C2751083, MONDO:0013148, OMIM 613123.

Submission:

Labcorp Genetics (formerly Invitae), Labcorp
Classification: Uncertain significance for Brugada syndrome 8. Last evaluated: 2022-06-24. Review status: criteria provided, single submitter. Criteria: Invitae Variant Classification Sherloc (09022015). Collection method: clinical testing. Allele origin: germline.
Comment: This sequence change replaces proline, which is neutral and non-polar, with alanine, which is neutral and non-polar, at codon 846 of the HCN4 protein (p.Pro846Ala). This variant is not present in population databases (gnomAD no frequency). This variant has not been reported in the literature in individuals affected with HCN4-related conditions. Advanced modeling of protein sequence and biophysical properties (such as structural, functional, and spatial information, amino acid conservation, physicochemical variation, residue mobility, and thermodynamic stability) performed at Invitae indicates that this missense variant is not expected to disrupt HCN4 protein function. In summary, the available evidence is currently insufficient to determine the role of this variant in disease. Therefore, it has been classified as a Variant of Uncertain Significance.